The following is an entry in ClinVar:

ClinVar aggregate classification (germline): Uncertain significance (1 of 4 stars; one submission).

Conditions:
Early-infantile DEE. Also called: Early infantile epileptic encephalopathy; Ohtahara syndrome; Early infantile epileptic encephalopathy with suppression bursts. Identifiers: Orphanet 1934, MedGen C0393706, MONDO:0800491.

Allele frequency attached by ClinVar (database versions not stated): TOPMed below 0.00001; gnomAD 0.00001.
gnomAD v4.1: 1 of 1,614,058 alleles (0.000062%); highest among the groups gnomAD compares: African/African-American, 0.0013%; no homozygotes.

Submission:

Labcorp Genetics (formerly Invitae), Labcorp
Classification: Uncertain significance for Early-infantile DEE. Last evaluated: 2025-02-24. Review status: criteria provided, single submitter. Criteria: Invitae Variant Classification Sherloc (09022015). Collection method: clinical testing. Allele origin: germline.
Comment: This sequence change replaces aspartic acid, which is acidic and polar, with asparagine, which is neutral and polar, at codon 1429 of the SPTAN1 protein (p.Asp1429Asn). This variant is not present in population databases (gnomAD no frequency). This variant has not been reported in the literature in individuals affected with SPTAN1-related conditions. ClinVar contains an entry for this variant (Variation ID: 2046494). Invitae Evidence Modeling of protein sequence and biophysical properties (such as structural, functional, and spatial information, amino acid conservation, physicochemical variation, residue mobility, and thermodynamic stability) has been performed for this missense variant. However, the output from this modeling did not meet the statistical confidence thresholds required to predict the impact of this variant on SPTAN1 protein function. In summary, the available evidence is currently insufficient to determine the role of this variant in disease. Therefore, it has been classified as a Variant of Uncertain Significance.

NM_001130438.3(SPTAN1):c.4285G>A (p.Asp1429Asn)

Gene: SPTAN1 (spectrin alpha, non-erythrocytic 1; plus strand). Cytogenetic location: 9q34.11.
Variant type: single nucleotide variant.
Coding change: c.4285G>A on transcript NM_001130438.3 (MANE Select); coding-DNA position 4285, G replaced by A.
Protein change: p.Asp1429Asn; replaces aspartic acid 1429 with asparagine.
Molecular consequence: missense variant.
Genome position (GRCh38, 1-based): chr9:128,607,990, G>A. VCF-style: chr9-128607990-G-A. GRCh37 (hg19) VCF-style: chr9-131370269-G-A.
Other names: c.4285G>A, p.Asp1429Asn (NM_001363759.2, NM_001375310.1, NM_001375311.2 and 2 more transcripts); c.4225G>A, p.Asp1409Asn (NM_001363765.2, NM_001375314.2, NM_001195532.2); c.4321G>A, p.Asp1441Asn (NM_001375312.2, NM_001375318.1); short protein forms D1441N, D1429N, D1409N.
Identifiers: ClinVar variation 2046494 (VCV002046494.4), dbSNP rs1856109245, ClinGen allele CA375066641.